The following is an entry in ClinVar:

NM_005055.5(RAPSN):c.105dup (p.Ser36fs)

Gene: RAPSN (receptor associated protein of the synapse; minus strand). Cytogenetic location: 11p11.2.
Variant type: Duplication.
Coding change: c.105dup on transcript NM_005055.5 (MANE Select); coding-DNA position 105, one base duplicated (G; older notation c.105dupG).
Protein change: p.Ser36fs; shifts the reading frame from serine 36.
Molecular consequence: frameshift variant.
Genome position (GRCh38, 1-based): chr11:47,448,860, C duplicated on the plus strand (G on the coding strand, the reverse complement: RAPSN is on the minus strand). VCF-style (leftmost placement, unchanged base first): chr11-47448859-T-TC. GRCh37 (hg19) VCF-style: chr11-47470411-T-TC.
Other names: c.105dup, p.Ser36fs (NM_001440490.1, NM_001440491.1, NM_001440492.1 and 13 more transcripts); short protein forms S36fs.
Identifiers: ClinVar variation 5012301 (VCV005012301.1).

ClinVar aggregate classification (germline): Pathogenic (1 of 4 stars; one submission).

Conditions:
RAPSN-related disorder. Also called: RAPSN-related condition; RAPSN-related disorders. Identifiers: MedGen CN239397.

Submission:

Myriad Genetics, Inc.
Classification: Pathogenic for RAPSN-related disorder. Last evaluated: 2023-09-27. Review status: criteria provided, single submitter. Criteria: Myriad Autosomal Dominant, Autosomal Recessive and X-Linked Classification Criteria (2023). Collection method: clinical testing. Allele origin: unknown.
Comment: NM_005055.4(RAPSN):c.105dupG(S36Efs*122) is expected to be pathogenic in the context of RAPSN-related disorders. This variant is predicted to lead to an abnormal or absent protein product due to the creation of a premature termination codon in RAPSN, a gene where loss-of-function variants are known to be pathogenic. Please note: this variant was assessed in the context of healthy population screening.